The following is an entry in ClinVar:

NM_001079.4(ZAP70):c.1228del (p.Leu410fs)

Gene: ZAP70 (zeta chain of T cell receptor associated protein kinase 70; plus strand). Cytogenetic location: 2q11.2.
Variant type: Deletion.
Coding change: c.1228del on transcript NM_001079.4 (MANE Select); coding-DNA position 1228, one base deleted (C; older notation c.1228delC).
Protein change: p.Leu410fs; shifts the reading frame from leucine 410.
Molecular consequence: frameshift variant.
Genome position (GRCh38, 1-based): chr2:97,735,395, C deleted; the last of 3 consecutive C bases (chr2:97,735,393-97,735,395); deleting any one gives the same sequence. VCF-style (leftmost placement, unchanged base first): chr2-97735392-GC-G. GRCh37 (hg19) VCF-style: chr2-98351855-GC-G.
Other names: c.1228del, p.Leu410fs (NM_001378594.1); c.307del, p.Leu103fs (NM_207519.2); short protein forms L410fs, L103fs.
Identifiers: ClinVar variation 3640729 (VCV003640729.2).

ClinVar aggregate classification (germline): Pathogenic (1 of 4 stars; one submission).

Conditions:
Combined immunodeficiency due to ZAP70 deficiency (IMD48). Also called: Immunodeficiency 48; ZAP70 Deficiency. Identifiers: Orphanet 911, MedGen C2931299, MONDO:0010023, OMIM 269840.

Submission:

Labcorp Genetics (formerly Invitae), Labcorp
Classification: Pathogenic for Combined immunodeficiency due to ZAP70 deficiency. Last evaluated: 2024-02-14. Review status: criteria provided, single submitter. Criteria: Invitae Variant Classification Sherloc (09022015). Collection method: clinical testing. Allele origin: germline.
Comment: This sequence change creates a premature translational stop signal (p.Leu410Serfs*26) in the ZAP70 gene. It is expected to result in an absent or disrupted protein product. Loss-of-function variants in ZAP70 are known to be pathogenic (PMID: 8202712). This variant is not present in population databases (gnomAD no frequency). This variant has not been reported in the literature in individuals affected with ZAP70-related conditions. For these reasons, this variant has been classified as Pathogenic.

Literature cited by the submitters: PubMed 8202712.